The following is an entry in ClinVar:

NM_001081.4(CUBN):c.4844A>G (p.Gln1615Arg)

Gene: CUBN (cubilin; minus strand). Cytogenetic location: 10p13.
Variant type: single nucleotide variant.
Coding change: c.4844A>G on transcript NM_001081.4 (MANE Select); coding-DNA position 4844, A replaced by G.
Protein change: p.Gln1615Arg; replaces glutamine 1615 with arginine.
Molecular consequence: missense variant.
Genome position (GRCh38, 1-based): chr10:16,954,400, T>C on the plus strand (A>G on the coding strand, the complement: CUBN is on the minus strand). VCF-style: chr10-16954400-T-C. GRCh37 (hg19) VCF-style: chr10-16996399-T-C.
Other names: short protein forms Q1615R.
Identifiers: ClinVar variation 1929784 (VCV001929784.5), dbSNP rs1343190952, ClinGen allele CA376138277.

ClinVar aggregate classification (germline): Uncertain significance (1 of 4 stars; one submission).

Conditions:
Imerslund-Grasbeck syndrome. Also called: Imerslund-Gräsbeck syndrome; ENTEROCYTE COBALAMIN MALABSORPTION; ENTEROCYTE INTRINSIC FACTOR RECEPTOR, DEFECT OF; PERNICIOUS ANEMIA, JUVENILE, DUE TO SELECTIVE INTESTINAL MALABSORPTION OF VITAMIN B12, WITH PROTEINURIA; Megaloblastic anemia due to inborn errors of metabolism. Identifiers: Orphanet 35858, MedGen C4551825, MONDO:0009853.

Allele frequency attached by ClinVar (database versions not stated): gnomAD exomes below 0.00001; gnomAD 0.00001.
gnomAD v4.1: 2 of 1,614,028 alleles (0.00012%); highest among the groups gnomAD compares: African/African-American, 0.0027%; no homozygotes.

Submission:

Labcorp Genetics (formerly Invitae), Labcorp
Classification: Uncertain significance for Imerslund-Grasbeck syndrome. Last evaluated: 2024-10-24. Review status: criteria provided, single submitter. Criteria: Invitae Variant Classification Sherloc (09022015). Collection method: clinical testing. Allele origin: germline.
Comment: This sequence change replaces glutamine, which is neutral and polar, with arginine, which is basic and polar, at codon 1615 of the CUBN protein (p.Gln1615Arg). This variant is present in population databases (no rsID available, gnomAD 0.01%). This variant has not been reported in the literature in individuals affected with CUBN-related conditions. ClinVar contains an entry for this variant (Variation ID: 1929784). Invitae Evidence Modeling of protein sequence and biophysical properties (such as structural, functional, and spatial information, amino acid conservation, physicochemical variation, residue mobility, and thermodynamic stability) indicates that this missense variant is not expected to disrupt CUBN protein function with a negative predictive value of 80%. In summary, the available evidence is currently insufficient to determine the role of this variant in disease. Therefore, it has been classified as a Variant of Uncertain Significance.